The following is an entry in ClinVar:

ClinVar aggregate classification (germline): Pathogenic/Likely pathogenic. Review status: criteria provided, multiple submitters, no conflicts (2 of 4 stars). 13 submissions from 13 submitters: Pathogenic (4); Likely pathogenic (7). 2 of the submissions do not count toward it. Last evaluated 2025-06-06.

Conditions:
SH3TC2-related disorder. Also called: SH3TC2-related condition; SH3TC2-related disorders. Identifiers: MedGen CN239303.
Susceptibility to mononeuropathy of the median nerve, mild. Also called: CARPAL TUNNEL SYNDROME, SUSCEPTIBILITY TO. Identifiers: MedGen C3150596, MONDO:0013237, OMIM 613353.
Charcot-Marie-Tooth disease type 4C (CMT4C). Also called: CHARCOT-MARIE-TOOTH DISEASE, DEMYELINATING, AUTOSOMAL RECESSIVE, TYPE 4C; CMT 4C; Charcot-Marie-Tooth Neuropathy Type 4C (CMT4C); SH3TC2-Related Hereditary Motor and Sensory Neuropathy; CHARCOT-MARIE-TOOTH DISEASE, DEMYELINATING, TYPE 4C. Identifiers: Orphanet 99949, MedGen C1866636, MONDO:0011113, OMIM 601596.
Charcot-Marie-Tooth disease. Also called: Charcot-Marie-Tooth Hereditary Neuropathy; Charcot-Marie-Tooth Neuropathy. Identifiers: Orphanet 166, MedGen C0007959, MONDO:0015626.
Charcot-Marie-Tooth disease type 4. Also called: Charcot-Marie-Tooth disease, type IV; Charcot-Marie-Tooth, Type 4. Identifiers: Orphanet 64749, MedGen C4082197, MONDO:0018995.

Allele frequency attached by ClinVar (database versions not stated): gnomAD exomes 0.00001; TOPMed 0.00001; ExAC 0.00001; gnomAD 0.00001.
gnomAD v4.1: 10 of 1,614,034 alleles (0.00062%); highest among the groups gnomAD compares: South Asian, 0.0033%; no homozygotes.

Submissions (13):

Labcorp Genetics (formerly Invitae), Labcorp
Classification: Pathogenic for Charcot-Marie-Tooth disease type 4. Last evaluated: 2025-06-06. Review status: criteria provided, single submitter. Criteria: Invitae Variant Classification Sherloc (09022015). Collection method: clinical testing. Allele origin: germline.
Comment: This sequence change replaces arginine, which is basic and polar, with cysteine, which is neutral and slightly polar, at codon 1171 of the SH3TC2 protein (p.Arg1171Cys). This variant is present in population databases (rs759785462, gnomAD 0.006%). This missense change has been observed in individuals with autosomal recessive Charcot-Marie-Tooth disease (PMID: 23466821, 25429913, 30001926, 31130284). ClinVar contains an entry for this variant (Variation ID: 448370). Invitae Evidence Modeling of protein sequence and biophysical properties (such as structural, functional, and spatial information, amino acid conservation, physicochemical variation, residue mobility, and thermodynamic stability) indicates that this missense variant is not expected to disrupt SH3TC2 protein function with a negative predictive value of 95%. This variant disrupts the p.Arg1171 amino acid residue in SH3TC2. Other variant(s) that disrupt this residue have been determined to be pathogenic (PMID: 22462672; internal data). This suggests that this residue is clinically significant, and that variants that disrupt this residue are likely to be disease-causing. For these reasons, this variant has been classified as Pathogenic.

PreventionGenetics, part of Exact Sciences
Classification: Pathogenic for SH3TC2-related condition. Last evaluated: 2025-05-23. Review status: criteria provided, single submitter. Criteria: ACMG Guidelines, 2015. Collection method: clinical testing. Allele origin: germline.
Comment: The SH3TC2 c.3511C>T variant is predicted to result in the amino acid substitution p.Arg1171Cys. This variant has been reported in the homozygous state or in combination with another SH3TC2 variant in multiple individuals from various ethnicities with autosomal recessive Charcot-Marie-Tooth disease (ARCMTD, Hayashi et al. 2013. PubMed ID: 23466821; Lerat et al. 2019. PubMed ID: 31634715; Sharma et al. 2022. PubMed ID: 35936615). An alternate missense change at the same amino acid position (p.Arg1171Leu) has been reported in the homozygous state or in combination with another SH3TC2 variant in multiple individuals with ARCMTD (Yger et al. 2012. PubMed ID: 22462672; Supplementary Table 2, Volodarsky et al. 2020. PubMed ID: 32376792; Supplemental Table 1, Rehbein et al. 2023. PubMed ID: 36947133). The c.3511C>T variant is reported in 0.0065% of alleles in individuals of South Asian descent in gnomAD. This variant is consistently classified as likely pathogenic or pathogenic in ClinVar. This variant is interpreted as pathogenic.

Genomic Medicine Center of Excellence, King Faisal Specialist Hospital and Research Centre
Classification: Likely pathogenic for Charcot-Marie-Tooth disease type 4C. Last evaluated: 2024-03-14. Review status: criteria provided, single submitter. Criteria: ACMG Guidelines, 2015. Collection method: research. Allele origin: germline.

Revvity Omics, Revvity
Classification: Likely pathogenic. Last evaluated: 2024-01-16. Review status: criteria provided, single submitter. Criteria: ACMG Guidelines, 2015. Collection method: clinical testing. Allele origin: germline.

Kariminejad - Najmabadi Pathology & Genetics Center
Classification: Likely pathogenic for Charcot-Marie-Tooth disease type 4C. Last evaluated: 2023-01-26. Review status: criteria provided, single submitter. Criteria: ACMG Guidelines, 2015. Collection method: clinical testing. Allele origin: germline. Inheritance: Autosomal recessive inheritance. Affected: yes.
Comment: PM2, PM5, PP3, PP5

Institute of Medical Genetics and Applied Genomics, University Hospital Tübingen
Classification: Likely pathogenic. Last evaluated: 2020-10-23. Review status: criteria provided, single submitter. Criteria: ACMG Guidelines, 2015. Collection method: clinical testing. Allele origin: germline. Inheritance: Unknown mechanism. Affected: yes.

NeuroMeGen, Hospital Clinico Santiago de Compostela
Classification: Likely pathogenic for Charcot-Marie-Tooth disease type 4C. Last evaluated: 2018-10-08. Review status: criteria provided, single submitter. Criteria: ACMG Guidelines, 2015. Collection method: clinical testing. Allele origin: unknown. Affected: yes. Observed: 1 heterozygote.

Athena Diagnostics
Classification: Likely pathogenic. Last evaluated: 2017-03-28. Review status: criteria provided, single submitter. Criteria: Athena Diagnostics Criteria. Collection method: clinical testing. Allele origin: germline.

Juno Genomics, Hangzhou Juno Genomics, Inc
Classification: Pathogenic for Charcot-Marie-Tooth disease type 4C; Susceptibility to mononeuropathy of the median nerve, mild. Review status: criteria provided, single submitter. Criteria: ACMG Guidelines, 2015. Collection method: clinical testing. Allele origin: germline.
Comment: Absent from controls (or at extremely low frequency if recessive) in Genome Aggregation Database.;For recessive disorders, detected in trans with a pathogenic variant.;Patient's phenotype or family history is highly specific for a disease with a single genetic etiology.

Molecular Genetics Laboratory, London Health Sciences Centre
Classification: Likely pathogenic for Charcot-Marie-Tooth disease. Review status: criteria provided, single submitter. Criteria: ACMG Guidelines, 2015. Collection method: clinical testing. Allele origin: germline. Affected: yes.

Neuberg Centre For Genomic Medicine, NCGM
Classification: Pathogenic for Charcot-Marie-Tooth disease type 4C. Review status: criteria provided, single submitter. Criteria: ACMG Guidelines, 2015. Collection method: clinical testing. Allele origin: germline. Inheritance: Autosomal recessive inheritance. Affected: yes.
Comment: The missense variant c.3511C>T (p.Arg1171Cys) has been previously observed as homozygous or in combination with another SH3TC2 variant in individuals affected with autosomal recessive Charcot-Marie-Tooth disease (Hayashi et al. 2013). This variant disrupts the p.Arg1171 amino acid residue in SH3TC2. Other variant(s) that disrupt this residue have been observed in affected individuals (Yger et al. 2012), which suggests that this may be a clinically significant amino acid residue. The p.Arg1171Cys variant is novel (not in any individuals) in 1000 Genomes. This variant is present in the ExAC population database with a frequency of 0.006%. This variant has been reported to the ClinVar database with conflicting interpretations of pathogenicity as Pathogenic/Likely Pathogenic/Uncertain Significance. The amino acid Arg at position 1171 is changed to a Cys changing protein sequence and it might alter its composition and physico-chemical properties. The variant is predicted to be damaging by both SIFT and PolyPhen2. The residue is conserved across species. The amino acid change p.Arg1171Cys in SH3TC2 is predicted as conserved by GERP++ and PhyloP across 100 vertebrates. For these reasons, this variant has been classified as Pathogenic

Neuromuscular Department, Shariati Hospital, Tehran University of Medical Sciences
Classification: Uncertain significance for Charcot-Marie-Tooth disease, type 4C. Last evaluated: 2019-06-08. Review status: no assertion criteria provided. Collection method: clinical testing. Allele origin: germline. Inheritance: Autosomal recessive inheritance. Affected: yes. Observed: 1 variant allele. Not counted in ClinVar's aggregate classification.
Comment: The electrodiagnostic study was in favor of a chronic demyelinating sensorimotor polyneuropathy.

Inherited Neuropathy Consortium
Classification: Uncertain significance for Charcot-Marie-Tooth disease. Review status: no assertion criteria provided. Collection method: literature only. Allele origin: germline. Affected: yes. Not counted in ClinVar's aggregate classification.

Literature cited by the submitters: PubMed 23466821 (cited by Labcorp Genetics (formerly Invitae), Labcorp and Athena Diagnostics); PubMed 25429913 (cited by 3 submitters); PubMed 30001926 (cited by Labcorp Genetics (formerly Invitae), Labcorp); PubMed 31130284 (cited by Labcorp Genetics (formerly Invitae), Labcorp); PubMed 22462672 (cited by Labcorp Genetics (formerly Invitae), Labcorp).

NM_024577.4(SH3TC2):c.3511C>T (p.Arg1171Cys)

Gene: SH3TC2 (SH3 domain and tetratricopeptide repeats 2; minus strand). Cytogenetic location: 5q32.
Variant type: single nucleotide variant.
Coding change: c.3511C>T on transcript NM_024577.4 (MANE Select); coding-DNA position 3511, C replaced by T.
Protein change: p.Arg1171Cys; replaces arginine 1171 with cysteine.
Molecular consequence: missense variant.
Genome position (GRCh38, 1-based): chr5:149,007,045, G>A on the plus strand (C>T on the coding strand, the complement: SH3TC2 is on the minus strand). VCF-style: chr5-149007045-G-A. GRCh37 (hg19) VCF-style: chr5-148386608-G-A.
Other names: short protein forms R1171C.
Identifiers: ClinVar variation 448370 (VCV000448370.45), dbSNP rs759785462, ClinGen allele CA3498696.